The following is an entry in ClinVar:

NM_178140.4(PDZD2):c.4725C>T (p.Asp1575=)

Gene: PDZD2 (PDZ domain containing 2; plus strand). Cytogenetic location: 5p13.3.
Variant type: single nucleotide variant.
Coding change: c.4725C>T on transcript NM_178140.4 (MANE Select); coding-DNA position 4725, C replaced by T.
Protein change: p.Asp1575=; no amino-acid change (aspartic acid 1575 retained).
Molecular consequence: synonymous variant.
Genome position (GRCh38, 1-based): chr5:32,088,173, C>T. VCF-style: chr5-32088173-C-T. GRCh37 (hg19) VCF-style: chr5-32088279-C-T.
Identifiers: ClinVar variation 3040237 (VCV003040237.2), dbSNP rs61744764, ClinGen allele CA3219778.
Genomic context (GRCh38, chr5:32,088,173, plus strand): 5'-TGAGGATTCTTCTTCTGACCCTGAGTCACTCACTGAAGCCCCACGAGCTTCTGCCAGGGA[C>T]GGCTGGTCCCCTCCTCGTTCCCGTGTGTCTTTGCACAAGGAAGATCCTTCGGAGTCAGAA-3'
Protein context (NP_835260.2, residues 1565-1585): LTEAPRASAR[Asp1575=]GWSPPRSRVS

ClinVar aggregate classification (germline): Benign (0 of 4 stars; one submission).

Conditions:
PDZD2-related disorder. Also called: PDZD2-related condition.

Allele frequency attached by ClinVar (database versions not stated): gnomAD exomes 0.00027; ExAC 0.00088; ESP Exome Variant Server 0.00254; gnomAD 0.00292; TOPMed 0.00312; 1000 Genomes Project 30x 0.00390; 1000 Genomes Project 0.00419.
gnomAD v4.1: 862 of 1,614,112 alleles (0.053%); highest among the groups gnomAD compares: African/African-American, 1%; 5 homozygotes.

Submission:

PreventionGenetics, part of Exact Sciences
Classification: Benign for PDZD2-related condition. Last evaluated: 2019-09-18. Review status: no assertion criteria provided. Collection method: clinical testing. Allele origin: germline.
Comment: This variant is classified as benign based on ACMG/AMP sequence variant interpretation guidelines (Richards et al. 2015 PMID: 25741868, with internal and published modifications).